The following is an entry in ClinVar:

ClinVar aggregate classification (germline): Likely benign. Review status: criteria provided, multiple submitters, no conflicts (2 of 4 stars). 3 submissions from 3 submitters: Likely benign (2). 1 of the submissions does not count toward it. Last evaluated 2025-07-30.

Conditions:
FCSK-related disorder. Also called: FCSK-related condition.

Allele frequency attached by ClinVar (database versions not stated): ExAC 0.00005; TOPMed 0.00006; gnomAD 0.00008; gnomAD exomes 0.00012.
gnomAD v4.1: 182 of 1,613,824 alleles (0.011%); highest among the groups gnomAD compares: Non-Finnish European, 0.014%; no homozygotes.

Submissions (3):

Labcorp Genetics (formerly Invitae), Labcorp
Classification: Likely benign. Last evaluated: 2025-07-30. Review status: criteria provided, single submitter. Criteria: Invitae Variant Classification Sherloc (09022015). Collection method: clinical testing. Allele origin: germline.

CeGaT Center for Human Genetics Tuebingen
Classification: Likely benign. Last evaluated: 2025-04-01. Review status: criteria provided, single submitter. Criteria: CeGaT Center For Human Genetics Tuebingen Variant Classification Criteria Version 2. Collection method: clinical testing. Allele origin: germline. Affected: yes. Observed: 1 variant allele.
Comment: FCSK: BP4, BP7

PreventionGenetics, part of Exact Sciences
Classification: Likely benign for FCSK-related condition. Last evaluated: 2020-01-16. Review status: no assertion criteria provided. Collection method: clinical testing. Allele origin: germline. Not counted in ClinVar's aggregate classification.
Comment: This variant is classified as likely benign based on ACMG/AMP sequence variant interpretation guidelines (Richards et al. 2015 PMID: 25741868, with internal and published modifications).

NM_145059.3(FCSK):c.336C>T (p.Pro112=)

Gene: FCSK (fucose kinase; plus strand). Cytogenetic location: 16q22.1.
Variant type: single nucleotide variant.
Coding change: c.336C>T on transcript NM_145059.3 (MANE Select); coding-DNA position 336, C replaced by T.
Protein change: p.Pro112=; no amino-acid change (proline 112 retained).
Molecular consequence: synonymous variant.
Genome position (GRCh38, 1-based): chr16:70,466,182, C>T. VCF-style: chr16-70466182-C-T. GRCh37 (hg19) VCF-style: chr16-70500085-C-T.
Other names: c.336C>T (NM_145059.2).
Identifiers: ClinVar variation 2177932 (VCV002177932.13), dbSNP rs770830036, ClinGen allele CA8142853.
Genomic context (GRCh38, chr16:70,466,182, plus strand): 5'-CGACTTCCAGGGTCGAGACTTCCCCTTTGATGACTGTGGCAGGGCTTTCACCTGCCTCCC[C>T]GTGGAGAACCCCGAGGCCCCCGTGGAAGCCTTGGTCTGCAACCTGGACTGCCTGCTGGAC-3'
Protein context (NP_659496.2, residues 102-122): DDCGRAFTCL[Pro112=]VENPEAPVEA